The following is an entry in ClinVar:

NM_006206.6(PDGFRA):c.244G>C (p.Val82Leu)

Gene: PDGFRA (platelet derived growth factor receptor alpha; plus strand). Cytogenetic location: 4q12.
Variant type: single nucleotide variant.
Coding change: c.244G>C on transcript NM_006206.6 (MANE Select); coding-DNA position 244, G replaced by C.
Protein change: p.Val82Leu; replaces valine 82 with leucine.
Molecular consequence: missense variant.
Genome position (GRCh38, 1-based): chr4:54,261,289, G>C. VCF-style: chr4-54261289-G-C. GRCh37 (hg19) VCF-style: chr4-55127456-G-C.
Other names: c.244G>C, p.Val82Leu (NM_001347827.2, NM_001347829.2); c.319G>C, p.Val107Leu (NM_001347828.2); c.283G>C, p.Val95Leu (NM_001347830.2); short protein forms V107L, V95L, V82L.
Identifiers: ClinVar variation 966705 (VCV000966705.10), dbSNP rs768193197, ClinGen allele CA356888628.

ClinVar aggregate classification (germline): Uncertain significance (1 of 4 stars; one submission).

Conditions:
Gastrointestinal stromal tumor. Also called: Gastrointestinal stromal tumor, somatic; Gastrointestinal stroma tumor. Identifiers: Orphanet 44890, MedGen C0238198, MeSH D046152, MONDO:0011719, OMIM 606764, HP:0100723.

Submission:

Labcorp Genetics (formerly Invitae), Labcorp
Classification: Uncertain significance for Gastrointestinal stromal tumor. Last evaluated: 2019-11-11. Review status: criteria provided, single submitter. Criteria: Invitae Variant Classification Sherloc (09022015). Collection method: clinical testing. Allele origin: germline.
Comment: This variant has not been reported in the literature in individuals with PDGFRA-related conditions. This variant is not present in population databases (ExAC no frequency). This sequence change replaces valine with leucine at codon 82 of the PDGFRA protein (p.Val82Leu). The valine residue is moderately conserved and there is a small physicochemical difference between valine and leucine. In summary, the available evidence is currently insufficient to determine the role of this variant in disease. Therefore, it has been classified as a Variant of Uncertain Significance. Algorithms developed to predict the effect of missense changes on protein structure and function (SIFT, PolyPhen-2, Align-GVGD) all suggest that this variant is likely to be tolerated, but these predictions have not been confirmed by published functional studies and their clinical significance is uncertain.